The following is an entry in ClinVar:

NM_001365276.2(TNXB):c.8200C>G (p.Pro2734Ala)

Gene: TNXB (tenascin XB; minus strand). Cytogenetic location: 6p21.33.
Variant type: single nucleotide variant.
Coding change: c.8200C>G on transcript NM_001365276.2 (MANE Select); coding-DNA position 8200, C replaced by G.
Protein change: p.Pro2734Ala; replaces proline 2734 with alanine.
Molecular consequence: missense variant.
Genome position (GRCh38, 1-based): chr6:32,056,118, G>C on the plus strand (C>G on the coding strand, the complement: TNXB is on the minus strand). VCF-style: chr6-32056118-G-C. GRCh37 (hg19) VCF-style: chr6-32023895-G-C.
Other names: c.8200C>G, p.Pro2734Ala (NM_019105.8); short protein forms P2734A.
Identifiers: ClinVar variation 1699695 (VCV001699695.10), dbSNP rs200810612, ClinGen allele CA3733921.

ClinVar aggregate classification (germline): Uncertain significance. Review status: criteria provided, multiple submitters, no conflicts (2 of 4 stars). 4 submissions from 4 submitters: Uncertain significance (4). Last evaluated 2025-06-20.

Conditions:
Ehlers-Danlos syndrome (EDS). Identifiers: Orphanet 98249, MedGen C0013720, MONDO:0020066.
Cardiovascular phenotype. Identifiers: MedGen CN230736.

Allele frequency attached by ClinVar (database versions not stated): TOPMed 0.00001; gnomAD exomes 0.00005 and 0.00003; gnomAD 0.00001; ExAC 0.00005.
gnomAD v4.1: 48 of 1,612,558 alleles (0.003%); highest among the groups gnomAD compares: Non-Finnish European, 0.00059%; 1 homozygote.

Submissions (4):

Ambry Genetics
Classification: Uncertain significance for Cardiovascular phenotype. Last evaluated: 2025-06-20. Review status: criteria provided, single submitter. Criteria: Ambry Variant Classification Scheme 2023. Collection method: clinical testing. Allele origin: germline.
Comment: The p.P2734A variant (also known as c.8200C>G), located in coding exon 23 of the TNXB gene, results from a C to G substitution at nucleotide position 8200. The proline at codon 2734 is replaced by alanine, an amino acid with highly similar properties. This amino acid position is conserved. In addition, this alteration is predicted to be tolerated by in silico analysis. Since supporting evidence is limited at this time, the clinical significance of this alteration remains unclear.

Women's Health and Genetics/Laboratory Corporation of America, LabCorp
Classification: Uncertain significance. Last evaluated: 2025-05-05. Review status: criteria provided, single submitter. Criteria: LabCorp Variant Classification Summary - May 2015. Collection method: clinical testing. Allele origin: germline.
Comment: Variant summary: TNXB c.8200C>G (p.Pro2734Ala) results in a non-conservative amino acid change in the encoded protein sequence. Algorithms developed to predict the effect of missense changes on protein structure and function are either unavailable or do not agree on the potential impact of this missense change. The variant allele was found at a frequency of 4.9e-05 in 243718 control chromosomes. This frequency is not significantly higher than estimated for a pathogenic variant in TNXB causing Ehlers-Danlos syndrome due to tenascin-X deficiency (4.9e-05 vs 0.0011), allowing no conclusion about variant significance. To our knowledge, no occurrence of c.8200C>G in individuals affected with Ehlers-Danlos syndrome due to tenascin-X deficiency and no experimental evidence demonstrating its impact on protein function have been reported. ClinVar contains an entry for this variant (Variation ID: 1699695). Based on the evidence outlined above, the variant was classified as uncertain significance.

GeneDx
Classification: Uncertain significance. Last evaluated: 2023-11-06. Review status: criteria provided, single submitter. Criteria: GeneDx Variant Classification Process June 2021. Collection method: clinical testing. Allele origin: germline.
Comment: Has not been previously published as pathogenic or benign to our knowledge; In silico analysis supports that this missense variant has a deleterious effect on protein structure/function

Genome Diagnostics Laboratory, The Hospital for Sick Children
Classification: Uncertain significance for Ehlers-Danlos syndrome. Last evaluated: 2021-06-30. Review status: criteria provided, single submitter. Criteria: ACMG Guidelines, 2015. Collection method: clinical testing. Allele origin: germline.